The following is an entry in ClinVar:

ClinVar aggregate classification (germline): Uncertain significance (1 of 4 stars; one submission).

Conditions:
Aicardi-Goutieres syndrome 7 (AGS7). Identifiers: Orphanet 51, MedGen C3888244, MONDO:0014367, OMIM 615846.
Singleton-Merten syndrome 1 (SGMRT1). Also called: Widened medullary cavities of bone, aortic calcification, abnormal dentition, and muscular weakness; Syndrome of widened medullary cavities of the metacarpals and phalanges, aortic calcification and abnormal dentition. Identifiers: Orphanet 85191, MedGen C4225427, MONDO:0024535, OMIM 182250.

gnomAD v4.1: 3 of 1,611,278 alleles (0.00019%); highest among the groups gnomAD compares: Middle Eastern, 0.017%; no homozygotes.

Submission:

Labcorp Genetics (formerly Invitae), Labcorp
Classification: Uncertain significance for Aicardi-Goutieres syndrome 7; Singleton-Merten syndrome 1. Last evaluated: 2025-05-26. Review status: criteria provided, single submitter. Criteria: Invitae Variant Classification Sherloc (09022015). Collection method: clinical testing. Allele origin: germline.
Comment: This sequence change replaces leucine, which is neutral and non-polar, with valine, which is neutral and non-polar, at codon 424 of the IFIH1 protein (p.Leu424Val). This variant is not present in population databases (gnomAD no frequency). This variant has not been reported in the literature in individuals affected with IFIH1-related conditions. ClinVar contains an entry for this variant (Variation ID: 1348727). Invitae Evidence Modeling of protein sequence and biophysical properties (such as structural, functional, and spatial information, amino acid conservation, physicochemical variation, residue mobility, and thermodynamic stability) has been performed for this missense variant. However, the output from this modeling did not meet the statistical confidence thresholds required to predict the impact of this variant on IFIH1 protein function. In summary, the available evidence is currently insufficient to determine the role of this variant in disease. Therefore, it has been classified as a Variant of Uncertain Significance.

NM_022168.4(IFIH1):c.1270T>G (p.Leu424Val)

Gene: IFIH1 (interferon induced with helicase C domain 1; minus strand). Cytogenetic location: 2q24.2.
Variant type: single nucleotide variant.
Coding change: c.1270T>G on transcript NM_022168.4 (MANE Select); coding-DNA position 1270, T replaced by G.
Protein change: p.Leu424Val; replaces leucine 424 with valine.
Molecular consequence: missense variant.
Genome position (GRCh38, 1-based): chr2:162,282,402, A>C on the plus strand (T>G on the coding strand, the complement: IFIH1 is on the minus strand). VCF-style: chr2-162282402-A-C. GRCh37 (hg19) VCF-style: chr2-163138912-A-C.
Other names: short protein forms L424V.
Identifiers: ClinVar variation 1348727 (VCV001348727.8), dbSNP rs762510649, ClinGen allele CA349002718.